The following is an entry in ClinVar:

ClinVar aggregate classification (germline): Uncertain significance. Review status: criteria provided, multiple submitters, no conflicts (2 of 4 stars). 3 submissions from 3 submitters: Uncertain significance (3). Last evaluated 2022-07-19.

Conditions:
Biotin-responsive basal ganglia disease (BTBGD). Also called: Thiamine metabolism dysfunction syndrome 2 (biotin- or thiamine-responsive encephalopathy type 2); thiamine-responsive encephalopathy; THIAMINE METABOLISM DYSFUNCTION SYNDROME 2 (BIOTIN- AND THIAMINE-RESPONSIVE TYPE); Thiamine metabolism dysfunction syndrome type 2; Thiamine Transporter-2 Deficiency. Identifiers: Orphanet 199348, Orphanet 65284, MedGen C1843807, MONDO:0011841, OMIM 607483.

Allele frequency attached by ClinVar (database versions not stated): TOPMed 0.00004.
gnomAD v4.1: 9 of 1,613,786 alleles (0.00056%); highest among the groups gnomAD compares: African/African-American, 0.004%; no homozygotes.

Submissions (3):

Labcorp Genetics (formerly Invitae), Labcorp
Classification: Uncertain significance for Biotin-responsive basal ganglia disease. Last evaluated: 2022-07-19. Review status: criteria provided, single submitter. Criteria: Invitae Variant Classification Sherloc (09022015). Collection method: clinical testing. Allele origin: germline.
Comment: This sequence change replaces arginine, which is basic and polar, with glycine, which is neutral and non-polar, at codon 402 of the SLC19A3 protein (p.Arg402Gly). This variant is present in population databases (rs150523975, gnomAD 0.008%). This variant has not been reported in the literature in individuals affected with SLC19A3-related conditions. ClinVar contains an entry for this variant (Variation ID: 1022704). Advanced modeling of protein sequence and biophysical properties (such as structural, functional, and spatial information, amino acid conservation, physicochemical variation, residue mobility, and thermodynamic stability) performed at Invitae indicates that this missense variant is expected to disrupt SLC19A3 protein function. In summary, the available evidence is currently insufficient to determine the role of this variant in disease. Therefore, it has been classified as a Variant of Uncertain Significance.

GeneDx
Classification: Uncertain significance. Last evaluated: 2020-08-21. Review status: criteria provided, single submitter. Criteria: GeneDx Variant Classification Process June 2021. Collection method: clinical testing. Allele origin: germline. Affected: yes.
Comment: Not observed at a significant frequency in large population cohorts (Lek et al., 2016); In silico analysis supports that this missense variant has a deleterious effect on protein structure/function; Has not been previously published as pathogenic or benign to our knowledge; This variant is associated with the following publications: (PMID: 28402605)

Laboratorio de Genetica e Diagnostico Molecular, Hospital Israelita Albert Einstein
Classification: Uncertain significance. Last evaluated: 2019-09-22. Review status: criteria provided, single submitter. Criteria: ACMG Guidelines, 2015. Collection method: clinical testing. Allele origin: germline. Affected: yes.
Comment: ACMG classification criteria: PM2, PP3

NM_025243.4(SLC19A3):c.1204C>G (p.Arg402Gly)

Gene: SLC19A3 (solute carrier family 19 member 3; minus strand). Cytogenetic location: 2q36.3.
Variant type: single nucleotide variant.
Coding change: c.1204C>G on transcript NM_025243.4 (MANE Select); coding-DNA position 1204, C replaced by G.
Protein change: p.Arg402Gly; replaces arginine 402 with glycine.
Molecular consequence: missense variant.
Genome position (GRCh38, 1-based): chr2:227,688,276, G>C on the plus strand (C>G on the coding strand, the complement: SLC19A3 is on the minus strand). VCF-style: chr2-227688276-G-C. GRCh37 (hg19) VCF-style: chr2-228552992-G-C.
Other names: c.1204C>G, p.Arg402Gly (NM_001371411.1, NM_001371412.1); c.1192C>G, p.Arg398Gly (NM_001371413.1, NM_001371414.1); short protein forms R398G, R402G.
Identifiers: ClinVar variation 1022704 (VCV001022704.9), dbSNP rs150523975, ClinGen allele CA2149128.